The following is an entry in ClinVar:

NM_005677.4(COLQ):c.528+22A>G

Gene: COLQ (collagen like tail subunit of asymmetric acetylcholinesterase; minus strand). Cytogenetic location: 3p25.1.
Variant type: single nucleotide variant.
Coding change: c.528+22A>G on transcript NM_005677.4 (MANE Select); 22 bases into the intron after coding-DNA position 528, A replaced by G.
Molecular consequence: intron variant.
Genome position (GRCh38, 1-based): chr3:15,475,403, T>C on the plus strand (A>G on the coding strand, the complement: COLQ is on the minus strand). VCF-style: chr3-15475403-T-C. GRCh37 (hg19) VCF-style: chr3-15516910-T-C.
Other names: c.426+22A>G (NM_080539.4); c.498+22A>G (NM_080538.2).
Identifiers: ClinVar variation 259859 (VCV000259859.6), dbSNP rs3816526, ClinGen allele CA2276129.

ClinVar aggregate classification (germline): Benign. Review status: criteria provided, multiple submitters, no conflicts (2 of 4 stars). 4 submissions from 4 submitters: Benign (4). Last evaluated 2021-07-30.

Conditions:
Congenital myasthenic syndrome 5. Identifiers: Orphanet 590, MedGen C1864233, MONDO:0011281, OMIM 603034.

Allele frequency attached by ClinVar (database versions not stated): TOPMed 0.37425; 1000 Genomes Project 0.38598; gnomAD 0.37075 and 0.37218; 1000 Genomes Project 30x 0.38335; gnomAD exomes 0.39434 and 0.38461; ESP Exome Variant Server 0.36866; ExAC 0.46652.
gnomAD v4.1: 619,498 of 1,577,442 alleles (39%); highest among the groups gnomAD compares: East Asian, 48%; 123,100 homozygotes.

Submissions (4):

Genome-Nilou Lab
Classification: Benign for Congenital myasthenic syndrome 5. Last evaluated: 2021-07-30. Review status: criteria provided, single submitter. Criteria: ACMG Guidelines, 2015. Collection method: clinical testing. Allele origin: germline. Affected: no.

GeneDx
Classification: Benign. Last evaluated: 2018-06-19. Review status: criteria provided, single submitter. Criteria: GeneDx Variant Classification (06012015). Collection method: clinical testing. Allele origin: germline. Affected: yes.
Comment: This variant is considered likely benign or benign based on one or more of the following criteria: it is a conservative change, it occurs at a poorly conserved position in the protein, it is predicted to be benign by multiple in silico algorithms, and/or has population frequency not consistent with disease.

Breakthrough Genomics
Classification: Benign. Review status: criteria provided, single submitter. Criteria: ACMG Guidelines, 2015. Collection method: not provided. Allele origin: germline. Inheritance: Autosomal recessive inheritance. Affected: yes.

PreventionGenetics, part of Exact Sciences
Classification: Benign. Review status: criteria provided, single submitter. Criteria: ACMG Guidelines, 2015. Collection method: clinical testing. Allele origin: germline.